The following is an entry in ClinVar:

NM_000051.4(ATM):c.5757A>G (p.Gln1919=)

Gene: ATM (ATM serine/threonine kinase; plus strand). Cytogenetic location: 11q22.3.
Variant type: single nucleotide variant.
Coding change: c.5757A>G on transcript NM_000051.4 (MANE Select); coding-DNA position 5757, A replaced by G.
Protein change: p.Gln1919=; no amino-acid change (glutamine 1919 retained).
Molecular consequence: synonymous variant.
Genome position (GRCh38, 1-based): chr11:108,307,979, A>G. VCF-style: chr11-108307979-A-G. GRCh37 (hg19) VCF-style: chr11-108178706-A-G.
Other names: c.5757A>G, p.Gln1919= (NM_001351834.2).
Identifiers: ClinVar variation 490620 (VCV000490620.13), dbSNP rs1555109182, ClinGen allele CA476675257.

ClinVar aggregate classification (germline): Benign/Likely benign. Review status: criteria provided, multiple submitters, no conflicts (2 of 4 stars). 4 submissions from 4 submitters: Benign (1); Likely benign (3). Last evaluated 2024-10-13.

Conditions:
Hereditary cancer-predisposing syndrome. Also called: Tumor predisposition; Neoplastic Syndromes, Hereditary; Hereditary Cancer Syndrome; Hereditary neoplastic syndrome. Identifiers: Orphanet 140162, MedGen C0027672, MeSH D009386, MONDO:0015356.
Familial cancer of breast. Also called: BREAST CANCER, FAMILIAL; hereditary breast carcinoma; Hereditary breast cancer. Identifiers: Orphanet 227535, MedGen C0346153, MONDO:0016419, OMIM 114480. Disease mechanism: loss of function.
Ataxia-telangiectasia syndrome (AT). Also called: Ataxia-telangiectasia; Ataxia-telangiectasia, complementation group D; AT, COMPLEMENTATION GROUP C; LOUIS-BAR SYNDROME; Cerebello-oculocutaneous telangiectasia; Immunodeficiency with ataxia telangiectasia. Identifiers: Orphanet 100, MedGen C0004135, MONDO:0008840, OMIM 208900.

Submissions (4):

Ambry Genetics
Classification: Likely benign for Hereditary cancer-predisposing syndrome. Last evaluated: 2024-10-13. Review status: criteria provided, single submitter. Criteria: Ambry Variant Classification Scheme 2023. Collection method: clinical testing. Allele origin: germline.

Myriad Genetics, Inc.
Classification: Benign for Familial cancer of breast. Last evaluated: 2024-05-24. Review status: criteria provided, single submitter. Criteria: Myriad Autosomal Dominant, Autosomal Recessive and X-Linked Classification Criteria (2023). Collection method: clinical testing. Allele origin: unknown.
Comment: This variant is considered benign. This variant is a silent/synonymous amino acid change and it is not expected to impact splicing.

Labcorp Genetics (formerly Invitae), Labcorp
Classification: Likely benign for Ataxia-telangiectasia syndrome. Last evaluated: 2021-02-12. Review status: criteria provided, single submitter. Criteria: Invitae Variant Classification Sherloc (09022015). Collection method: clinical testing. Allele origin: germline.

Color Diagnostics, LLC DBA Color Health
Classification: Likely benign for Hereditary cancer-predisposing syndrome. Last evaluated: 2017-05-04. Review status: criteria provided, single submitter. Criteria: ACMG Guidelines, 2015. Collection method: clinical testing. Allele origin: germline.